The following is an entry in ClinVar:

NM_000059.4(BRCA2):c.10184A>C (p.Glu3395Ala)

Gene: BRCA2 (BRCA2 DNA repair associated; plus strand). Cytogenetic location: 13q13.1.
Variant type: single nucleotide variant.
Coding change: c.10184A>C on transcript NM_000059.4 (MANE Select); coding-DNA position 10184, A replaced by C.
Protein change: p.Glu3395Ala; replaces glutamic acid 3395 with alanine.
Molecular consequence: missense variant.
Genome position (GRCh38, 1-based): chr13:32,398,697, A>C. VCF-style: chr13-32398697-A-C. GRCh37 (hg19) VCF-style: chr13-32972834-A-C.
Other names: short protein forms E3395A.
Identifiers: ClinVar variation 479331 (VCV000479331.13), dbSNP rs1555290061, ClinGen allele CA387768321.
Genomic context (GRCh38, chr13:32,398,697, plus strand): 5'-GTTCAGAAGATTATCTCAGACTGAAACGACGTTGTACTACATCTCTGATCAAAGAACAGG[A>C]GAGTTCCCAGGCCAGTACGGAAGAATGTGAGAAAAATAAGCAGGACACAATTACAACTAA-3'
Protein context (NP_000050.3, residues 3385-3405): RCTTSLIKEQ[Glu3395Ala]SSQASTEECE

ClinVar aggregate classification (germline): Uncertain significance. Review status: criteria provided, multiple submitters, no conflicts (2 of 4 stars). 2 submissions from 2 submitters: Uncertain significance (2). Last evaluated 2022-07-19.

Conditions:
Hereditary breast ovarian cancer syndrome. Also called: Hereditary breast and ovarian cancer syndrome (HBOC); Hereditary breast and ovarian cancer syndrome; Breast and ovarian cancer; BRCA1- and BRCA2-Associated Hereditary Breast and Ovarian Cancer; Hereditary breast and ovarian cancer; Hereditary breast and/or ovarian cancer syndrome. Identifiers: Orphanet 145, MedGen C0677776, MeSH D061325, MONDO:0003582. Disease mechanism: loss of function.
Hereditary cancer-predisposing syndrome. Also called: Neoplastic Syndromes, Hereditary; Hereditary Cancer Syndrome; Hereditary neoplastic syndrome; Tumor predisposition. Identifiers: Orphanet 140162, MedGen C0027672, MeSH D009386, MONDO:0015356.

Submissions (2):

Labcorp Genetics (formerly Invitae), Labcorp
Classification: Uncertain significance for Hereditary breast ovarian cancer syndrome. Last evaluated: 2022-07-19. Review status: criteria provided, single submitter. Criteria: Invitae Variant Classification Sherloc (09022015). Collection method: clinical testing. Allele origin: germline.
Comment: In summary, the available evidence is currently insufficient to determine the role of this variant in disease. Therefore, it has been classified as a Variant of Uncertain Significance. Advanced modeling of protein sequence and biophysical properties (such as structural, functional, and spatial information, amino acid conservation, physicochemical variation, residue mobility, and thermodynamic stability) performed at Invitae indicates that this missense variant is not expected to disrupt BRCA2 protein function. ClinVar contains an entry for this variant (Variation ID: 479331). This variant has not been reported in the literature in individuals affected with BRCA2-related conditions. This variant is not present in population databases (gnomAD no frequency). This sequence change replaces glutamic acid, which is acidic and polar, with alanine, which is neutral and non-polar, at codon 3395 of the BRCA2 protein (p.Glu3395Ala).

Ambry Genetics
Classification: Uncertain significance for Hereditary cancer-predisposing syndrome. Last evaluated: 2016-06-16. Review status: criteria provided, single submitter. Criteria: Ambry Variant Classification Scheme 2023. Collection method: clinical testing. Allele origin: germline.
Comment: The p.E3395A variant (also known as c.10184A>C), located in coding exon 26 of the BRCA2 gene, results from an A to C substitution at nucleotide position 10184. The glutamic acid at codon 3395 is replaced by alanine, an amino acid with dissimilar properties. This variant was not reported in population based cohorts in the following databases: Database of Single Nucleotide Polymorphisms (dbSNP), NHLBI Exome Sequencing Project (ESP), and 1000 Genomes Project. In the ESP, this variant was not observed in 6503 samples (13006 alleles) with coverage at this position. To date, this alteration has been detected with an allele frequency of approximately 0.0003% (greater than 300000 alleles tested) in our clinical cohort. This amino acid position is not well conserved in available vertebrate species. In addition, this alteration is predicted to be tolerated by in silico analysis. Since supporting evidence is limited at this time, the clinical significance of this alteration remains unclear.